The following is an entry in ClinVar:

ClinVar aggregate classification (germline): Uncertain significance (1 of 4 stars; one submission).

Allele frequency attached by ClinVar (database versions not stated): ExAC 0.00002; 1000 Genomes Project 30x 0.00094; gnomAD exomes 0.00002; TOPMed 0.00002; gnomAD 0.00007; 1000 Genomes Project 0.00080.
gnomAD v4.1: 35 of 1,613,544 alleles (0.0022%); highest among the groups gnomAD compares: Admixed American, 0.055%; no homozygotes.

Submission:

Labcorp Genetics (formerly Invitae), Labcorp
Classification: Uncertain significance. Last evaluated: 2025-06-12. Review status: criteria provided, single submitter. Criteria: Invitae Variant Classification Sherloc (09022015). Collection method: clinical testing. Allele origin: germline.
Comment: This sequence change falls in intron 6 of the ACTN4 gene. It does not directly change the encoded amino acid sequence of the ACTN4 protein. It affects a nucleotide within the consensus splice site. This variant is present in population databases (rs201630706, gnomAD 0.01%). This variant has not been reported in the literature in individuals affected with ACTN4-related conditions. ClinVar contains an entry for this variant (Variation ID: 2883574). Variants that disrupt the consensus splice site are a relatively common cause of aberrant splicing (PMID: 17576681, 9536098). Algorithms developed to predict the effect of sequence changes on RNA splicing suggest that this variant is not likely to affect RNA splicing. In summary, the available evidence is currently insufficient to determine the role of this variant in disease. Therefore, it has been classified as a Variant of Uncertain Significance.

Literature cited by the submitters: PubMed 17576681; PubMed 9536098.

NM_004924.6(ACTN4):c.652-3T>C

Gene: ACTN4 (actinin alpha 4; plus strand). Cytogenetic location: 19q13.2.
Variant type: single nucleotide variant.
Coding change: c.652-3T>C on transcript NM_004924.6 (MANE Select); 3 bases into the intron before coding-DNA position 652, T replaced by C.
Molecular consequence: intron variant.
Genome position (GRCh38, 1-based): chr19:38,709,392, T>C. VCF-style: chr19-38709392-T-C. GRCh37 (hg19) VCF-style: chr19-39200032-T-C.
Other names: c.652-3T>C (NM_001411143.1, NM_001322033.2).
Identifiers: ClinVar variation 2883574 (VCV002883574.3), dbSNP rs201630706, ClinGen allele CA9417353.